The following is an entry in ClinVar:

NM_000553.6(WRN):c.213G>A (p.Met71Ile)

Gene: WRN (WRN RecQ like helicase; plus strand). Cytogenetic location: 8p12.
Variant type: single nucleotide variant.
Coding change: c.213G>A on transcript NM_000553.6 (MANE Select); coding-DNA position 213, G replaced by A.
Protein change: p.Met71Ile; replaces methionine 71 with isoleucine.
Molecular consequence: missense variant.
Genome position (GRCh38, 1-based): chr8:31,064,292, G>A. VCF-style: chr8-31064292-G-A. GRCh37 (hg19) VCF-style: chr8-30921808-G-A.
Other names: short protein forms M71I.
Identifiers: ClinVar variation 940089 (VCV000940089.7), dbSNP rs1812609606, ClinGen allele CA370913769.
Genomic context (GRCh38, chr8:31,064,292, plus strand): 5'-TATGCAGAAGTTTAAAATTTTAACATAAATTAATTTACACTATTTTTCTCACTTTAGCAT[G>A]AGTCTATCAGATGGGGATGTGGTGGGATTTGACATGGAGTGGCCACCATTATACAATAGA-3'
Protein context (NP_000544.2, residues 61-81): DCSFLSEDIS[Met71Ile]SLSDGDVVGF

ClinVar aggregate classification (germline): Uncertain significance. Review status: criteria provided, multiple submitters, no conflicts (2 of 4 stars). 2 submissions from 2 submitters: Uncertain significance (2). Last evaluated 2025-10-15.

Conditions:
Inborn genetic diseases. Identifiers: MedGen C0950123, MeSH D030342.
Werner syndrome (WRN). Identifiers: Orphanet 902, MedGen C0043119, MONDO:0010196, OMIM 277700.

Allele frequency attached by ClinVar (database versions not stated): gnomAD exomes below 0.00001.
gnomAD v4.1: 2 of 1,614,028 alleles (0.00012%); highest among the groups gnomAD compares: Non-Finnish European, 0.00017%; no homozygotes.

Submissions (2):

Ambry Genetics
Classification: Uncertain significance for Inborn genetic diseases. Last evaluated: 2025-10-15. Review status: criteria provided, single submitter. Criteria: Ambry Variant Classification Scheme 2023. Collection method: clinical testing. Allele origin: germline.

Labcorp Genetics (formerly Invitae), Labcorp
Classification: Uncertain significance for Werner syndrome. Last evaluated: 2022-04-21. Review status: criteria provided, single submitter. Criteria: Invitae Variant Classification Sherloc (09022015). Collection method: clinical testing. Allele origin: germline.
Comment: In summary, the available evidence is currently insufficient to determine the role of this variant in disease. Therefore, it has been classified as a Variant of Uncertain Significance. RNA analysis performed to evaluate the impact of this missense change on mRNA splicing indicates it does not significantly alter splicing (Invitae). Algorithms developed to predict the effect of missense changes on protein structure and function are either unavailable or do not agree on the potential impact of this missense change (SIFT: "Not Available"; PolyPhen-2: "Benign"; Align-GVGD: "Not Available"). ClinVar contains an entry for this variant (Variation ID: 940089). This variant has not been reported in the literature in individuals affected with WRN-related conditions. This variant is not present in population databases (gnomAD no frequency). This sequence change replaces methionine, which is neutral and non-polar, with isoleucine, which is neutral and non-polar, at codon 71 of the WRN protein (p.Met71Ile).